The following is an entry in ClinVar:

ClinVar aggregate classification (germline): Uncertain significance (1 of 4 stars; one submission).

Conditions:
Okur-Chung neurodevelopmental syndrome (OCNDS). Identifiers: Orphanet 689422, MedGen C4310739, MONDO:0014893, OMIM 617062.

Submission:

Pittsburgh Clinical Genomics Laboratory, University of Pittsburgh Medical Center
Classification: Uncertain significance for Okur-Chung neurodevelopmental syndrome. Last evaluated: 2023-05-03. Review status: criteria provided, single submitter. Criteria: ACMG Guidelines, 2015. Collection method: clinical testing. Allele origin: germline. Inheritance: Autosomal dominant inheritance. Affected: yes.
Comment: This sequence variant is a deletion of coding nucleotides 772-773 in the CSNK2A1 gene which changes the Ile258 codon into a premature termition sigl. As it occurs in exon 10 of 13, this variant is predicted to generate a non-functiol allele through either the expression of a truncated protein or a loss of CSNK2A1 expression due to nonsense-mediated decay. This novel variant has not been reported in clinical genetics databases or observed in the medical literature in individuals with CSNK2A1-related disease, to our knowledge. This variant is absent from the gnomAD population database (0/251000 alleles). It is unclear if loss of function is a mechanism for disease for CSNK2A1 gene variants. At this time, there is insufficient evidence to determine if this variant is pathogenic or benign. Therefore, we consider it to be a variant of uncertain significance. ACMG Criteria: PM2

NM_177559.3(CSNK2A1):c.772_773del (p.Tyr257_Ile258insTer)

Gene: CSNK2A1 (casein kinase 2 alpha 1; minus strand). Cytogenetic location: 20p13.
Variant type: Microsatellite.
Coding change: c.772_773del on transcript NM_177559.3 (MANE Select); coding-DNA positions 772 to 773, 2 bases deleted (AT; older notation c.772_773delAT).
Protein change: p.Tyr257_Ile258insTer.
Molecular consequence: nonsense.
Genome position (GRCh38, 1-based): chr20:488,729-488,730, AT deleted on the plus strand (AT on the coding strand, the reverse complement: CSNK2A1 is on the minus strand); deleting any 2 consecutive bases within chr20:488,729-488,733 gives the same sequence; the c. name uses the placement nearest the transcript's 3' end. VCF-style (leftmost placement, unchanged base first): chr20-488728-AAT-A. GRCh37 (hg19) VCF-style: chr20-469372-AAT-A.
Other names: c.772_773del, p.Tyr257_Ile258insTer (NM_001362770.2, NM_001362771.2, NM_001895.4); c.364_365del, p.Tyr121_Ile122insTer (NM_177560.3).
Identifiers: ClinVar variation 3376330 (VCV003376330.1).